The following is an entry in ClinVar:

NM_130837.3(OPA1):c.610+370G>A

Gene: OPA1 (OPA1 mitochondrial dynamin like GTPase; plus strand). Cytogenetic location: 3q29.
Variant type: single nucleotide variant.
Coding change: c.610+370G>A on transcript NM_130837.3 (MANE Select); 370 bases into the intron after coding-DNA position 610, G replaced by A.
Molecular consequence: intron variant.
Genome position (GRCh38, 1-based): chr3:193,618,207, G>A. VCF-style: chr3-193618207-G-A. GRCh37 (hg19) VCF-style: chr3-193335996-G-A.
Other names: c.185-662G>A (NM_001354664.2); c.77-662G>A (NM_001354663.2); c.610+370G>A (NM_130834.3); c.557-662G>A (NM_130836.3, NM_015560.3); c.502+370G>A (NM_130835.3, NM_130832.3); c.449-662G>A (NM_130833.3, NM_130831.3).
Identifiers: ClinVar variation 4977462 (VCV004977462.1).
Genomic context (GRCh38, chr3:193,618,207, plus strand): 5'-TTAGTTTGTCTCATCTGCCCTGTCATGGTTGACATTTAAATTTGTTTTCCGGCCGGGCGC[G>A]GTGGCTCATGCCTGTAATCCCAGCATTTTGGGAGGCCAAGGCAGGCGGATCATGAGGTCA-3'

ClinVar aggregate classification (germline): Likely benign (1 of 4 stars; one submission).

Conditions:
OPA1-related disorder. Also called: OPA1-related condition; OPA1-related disorders.

gnomAD v4.1: 10 of 152,226 alleles (0.0066%); highest among the groups gnomAD compares: Non-Finnish European, 0.0088%; no homozygotes.

Submission:

PreventionGenetics, part of Exact Sciences
Classification: Likely benign for OPA1-related condition. Last evaluated: 2026-07-14. Review status: criteria provided, single submitter. Criteria: ACMG Guidelines, 2015. Collection method: clinical testing. Allele origin: germline.
Comment: This variant is classified as likely benign based on ACMG/AMP sequence variant interpretation guidelines (Richards et al. 2015 PMID: 25741868, with internal and published modifications).